The following is an entry in ClinVar:

ClinVar aggregate classification (germline): Pathogenic (1 of 4 stars; one submission).

Submission:

GeneDx
Classification: Pathogenic. Last evaluated: 2025-04-10. Review status: criteria provided, single submitter. Criteria: GeneDx Variant Classification Process June 2021. Collection method: clinical testing. Allele origin: germline. Affected: yes.
Comment: Frameshift variant predicted to result in protein truncation or nonsense mediated decay in a gene for which loss-of-function is a known mechanism of disease; Not observed at significant frequency in large population cohorts (gnomAD); Has not been previously published as pathogenic or benign to our knowledge

NM_032119.4(ADGRV1):c.17978_17979del (p.Val5993fs)

Gene: ADGRV1 (adhesion G protein-coupled receptor V1; plus strand). Cytogenetic location: 5q14.3.
Variant type: Microsatellite.
Coding change: c.17978_17979del on transcript NM_032119.4 (MANE Select); coding-DNA positions 17978 to 17979, 2 bases deleted (TG; older notation c.17978_17979delTG).
Protein change: p.Val5993fs; shifts the reading frame from valine 5993.
Molecular consequence: frameshift variant. On other transcripts: non-coding transcript variant (1).
Genome position (GRCh38, 1-based): chr5:90,985,348-90,985,349, TG deleted; deleting any 2 consecutive bases within chr5:90,985,346-90,985,349 gives the same sequence; the c. name uses the placement nearest the transcript's 3' end. VCF-style (leftmost placement, unchanged base first): chr5-90985345-CTG-C. GRCh37 (hg19) VCF-style: chr5-90281162-CTG-C.
Other names: c.17978_17979delTG (NM_032119.3); short protein forms V5993fs.
Identifiers: ClinVar variation 817392 (VCV000817392.3), dbSNP rs1581711551, ClinGen allele CA915943438.
Genomic context (GRCh38, chr5:90,985,345, plus strand): 5'-GTTTGTGTTCTGTGCCATTAAAGAAGAGCCTGTTCATTTTATGTTGTTTTCTTCCTTAGT[CTG>C]TGAATTTCTGGTACGTGCTGGTGATGAATGATGAGCACACAGAGAGGCGATATCTGCTGT-3'